The following is an entry in ClinVar:

ClinVar aggregate classification (germline): Likely benign (1 of 4 stars; one submission).

Submission:

CeGaT Center for Human Genetics Tuebingen
Classification: Likely benign. Last evaluated: 2025-06-01. Review status: criteria provided, single submitter. Criteria: CeGaT Center For Human Genetics Tuebingen Variant Classification Criteria Version 2. Collection method: clinical testing. Allele origin: germline. Affected: yes. Observed: 1 variant allele.
Comment: MAN1C1: PM2:Supporting, BP4, BP7

NM_020379.4(MAN1C1):c.1218A>G (p.Thr406=)

Gene: MAN1C1 (mannosidase alpha class 1C member 1; plus strand). Cytogenetic location: 1p36.11.
Variant type: single nucleotide variant.
Coding change: c.1218A>G on transcript NM_020379.4 (MANE Select); coding-DNA position 1218, A replaced by G.
Protein change: p.Thr406=; no amino-acid change (threonine 406 retained).
Molecular consequence: synonymous variant.
Genome position (GRCh38, 1-based): chr1:25,771,733, A>G. VCF-style: chr1-25771733-A-G. GRCh37 (hg19) VCF-style: chr1-26098224-A-G.
Other names: c.1218A>G, p.Thr406= (NM_001289010.2); c.1320A>G, p.Thr440= (NM_001385182.1); c.1290A>G, p.Thr430= (NM_001385183.1); c.714A>G, p.Thr238= (NM_001385184.1); c.531A>G, p.Thr177= (NM_001385185.1).
Identifiers: ClinVar variation 4085288 (VCV004085288.8).
Genomic context (GRCh38, chr1:25,771,733, plus strand): 5'-AGGACTCGGGGACAGTTTTTATGAATATTTGATCAAATCCTGGTTGATGTCGGGCAAGAC[A>G]GATATGGAGGCTAAAAATATGTACTACGAAGCCTTGGAGGTAAGACAAGCCCTGGATTAT-3'
Protein context (NP_065112.1, residues 396-416): LIKSWLMSGK[Thr406=]DMEAKNMYYE